The following is an entry in ClinVar:

ClinVar aggregate classification (germline): Benign/Likely benign. Review status: criteria provided, multiple submitters, no conflicts (2 of 4 stars). 2 submissions from 2 submitters: Benign (1); Likely benign (1). Last evaluated 2025-05-16.

Conditions:
Tuberous sclerosis 2 (TSC2). Identifiers: Orphanet 805, MedGen C1860707, MONDO:0013199, OMIM 613254.

Submissions (2):

Myriad Genetics, Inc.
Classification: Benign for Tuberous sclerosis 2. Last evaluated: 2025-05-16. Review status: criteria provided, single submitter. Criteria: Myriad Autosomal Dominant, Autosomal Recessive and X-Linked Classification Criteria (2023). Collection method: clinical testing. Allele origin: unknown.
Comment: This variant is considered benign. This variant is a silent/synonymous amino acid change and it is not expected to impact splicing.

Labcorp Genetics (formerly Invitae), Labcorp
Classification: Likely benign for Tuberous sclerosis 2. Last evaluated: 2024-07-22. Review status: criteria provided, single submitter. Criteria: Invitae Variant Classification Sherloc (09022015). Collection method: clinical testing. Allele origin: germline.

NM_000548.5(TSC2):c.2041C>T (p.Leu681=)

Gene: TSC2 (TSC complex subunit 2; plus strand). Cytogenetic location: 16p13.3.
Variant type: single nucleotide variant.
Coding change: c.2041C>T on transcript NM_000548.5 (MANE Select); coding-DNA position 2041, C replaced by T.
Protein change: p.Leu681=; no amino-acid change (leucine 681 retained).
Molecular consequence: synonymous variant. On other transcripts: non-coding transcript variant (5).
Genome position (GRCh38, 1-based): chr16:2,071,878, C>T. VCF-style: chr16-2071878-C-T. GRCh37 (hg19) VCF-style: chr16-2121879-C-T.
Other names: c.2041C>T, p.Leu681= (NM_001077183.3, NM_001114382.3, NM_001363528.2 and 6 more transcripts); c.1930C>T, p.Leu644= (NM_001318827.2, NM_001406670.1, NM_001406678.1); c.1894C>T, p.Leu632= (NM_001318829.2, NM_001406675.1, NM_001406676.1 and 1 more transcripts); c.1441C>T, p.Leu481= (NM_001318831.2, NM_001406680.1, NM_001406682.1 and 6 more transcripts); c.2074C>T, p.Leu692= (NM_001318832.2); c.2131C>T, p.Leu711= (NM_001406667.1, NM_001406668.1); c.2029C>T, p.Leu677= (NM_001406671.1, NM_001406673.1); c.1984C>T, p.Leu662= (NM_001406677.1); and 3 more.
Identifiers: ClinVar variation 1966733 (VCV001966733.6), dbSNP rs780502079, ClinGen allele CA493042606.